The following is an entry in ClinVar:

ClinVar aggregate classification (germline): Uncertain significance. Review status: reviewed by expert panel (3 of 4 stars). 2 submissions from 2 submitters: Uncertain significance (1). 1 of the submissions does not count toward it. Last evaluated 2024-10-29.

Conditions:
Hereditary thrombocytopenia and hematologic cancer predisposition syndrome. Identifiers: Orphanet 71290, MedGen CN281654, MONDO:0011071.
Hereditary thrombocytopenia and hematological cancer predisposition syndrome associated with RUNX1. Also called: RUNX1 Familial Platelet Disorder with Associated Myeloid Malignancies; Familial Platelet Disorder with Propensity to Acute Myelogenous Leukemia; Familial thrombocytopenia with propensity to acute myelogenous leukemia; PLATELET DISORDER, ASPIRIN-LIKE. Identifiers: Orphanet 71290, MedGen C1832388, MeSH C563324, MONDO:0100083, OMIM 601399.

Submissions (2):

ClinGen Myeloid Malignancy Variant Curation Expert Panel
Classification: Uncertain significance for Hereditary thrombocytopenia and hematologic cancer predisposition syndrome. Last evaluated: 2024-10-29. Review status: reviewed by expert panel. Criteria: ClinGen MyeloMalig ACMG Specifications v2. Collection method: curation. Allele origin: germline. Inheritance: Autosomal dominant inheritance.
Comment: NM_001754.5(RUNX1):c.715A>T (p.Ser239Cys) is a missense variant which is completely absent from all population databases with at least 20x coverage for RUNX1 (PM2_Supporting). In summary, the clinical significance of this variant is uncertain. ACMG/AMP criteria applied, as specified by the Myeloid Malignancy Variant Curation Expert Panel for RUNX1: PM2_supporting.

Labcorp Genetics (formerly Invitae), Labcorp
Classification: Uncertain significance for Hereditary thrombocytopenia and hematological cancer predisposition syndrome associated with RUNX1. Last evaluated: 2021-02-12. Review status: criteria provided, single submitter. Criteria: Invitae Variant Classification Sherloc (09022015). Collection method: clinical testing. Allele origin: germline. Not counted in ClinVar's aggregate classification.
Comment: This sequence change replaces serine with cysteine at codon 239 of the RUNX1 protein (p.Ser239Cys). The serine residue is moderately conserved and there is a moderate physicochemical difference between serine and cysteine. This variant is not present in population databases (ExAC no frequency). In summary, the available evidence is currently insufficient to determine the role of this variant in disease. Therefore, it has been classified as a Variant of Uncertain Significance. Algorithms developed to predict the effect of missense changes on protein structure and function are either unavailable or do not agree on the potential impact of this missense change (SIFT: "Deleterious"; PolyPhen-2: "Probably Damaging"; Align-GVGD: "Class C0"). This variant has not been reported in the literature in individuals with RUNX1-related conditions.

NM_001754.5(RUNX1):c.715A>T (p.Ser239Cys)

Gene: RUNX1 (RUNX family transcription factor 1; minus strand). Cytogenetic location: 21q22.12.
Variant type: single nucleotide variant.
Coding change: c.715A>T on transcript NM_001754.5 (MANE Select); coding-DNA position 715, A replaced by T.
Protein change: p.Ser239Cys; replaces serine 239 with cysteine.
Molecular consequence: missense variant.
Genome position (GRCh38, 1-based): chr21:34,834,500, T>A on the plus strand (A>T on the coding strand, the complement: RUNX1 is on the minus strand). VCF-style: chr21-34834500-T-A. GRCh37 (hg19) VCF-style: chr21-36206797-T-A.
Other names: NM_001754.5(RUNX1):c.715A>T; p.Ser239Cys; c.634A>T, p.Ser212Cys (NM_001001890.3, NM_001122607.2); short protein forms S239C, S212C.
Identifiers: ClinVar variation 1509041 (VCV001509041.9), dbSNP rs770402861, ClinGen allele CA410206841.